The following is an entry in ClinVar:

NM_000057.4(BLM):c.3335A>G (p.Asn1112Ser)

Gene: BLM (BLM RecQ like helicase; plus strand). Cytogenetic location: 15q26.1.
Variant type: single nucleotide variant.
Coding change: c.3335A>G on transcript NM_000057.4 (MANE Select); coding-DNA position 3335, A replaced by G.
Protein change: p.Asn1112Ser; replaces asparagine 1112 with serine.
Molecular consequence: missense variant.
Genome position (GRCh38, 1-based): chr15:90,798,314, A>G. VCF-style: chr15-90798314-A-G. GRCh37 (hg19) VCF-style: chr15-91341544-A-G.
Other names: c.3335A>G (NM_000057.2); c.3335A>G, p.Asn1112Ser (NM_001287246.2, NM_001287247.2); c.2210A>G, p.Asn737Ser (NM_001287248.2); short protein forms N1112S, N737S.
Identifiers: ClinVar variation 1005412 (VCV001005412.12), dbSNP rs1897081867, ClinGen allele CA393847363.

ClinVar aggregate classification (germline): Uncertain significance. Review status: criteria provided, multiple submitters, no conflicts (2 of 4 stars). 3 submissions from 3 submitters: Uncertain significance (2). 1 of the submissions does not count toward it. Last evaluated 2024-08-27.

Conditions:
Hereditary cancer-predisposing syndrome. Also called: Hereditary neoplastic syndrome; Neoplastic Syndromes, Hereditary; Tumor predisposition; Hereditary Cancer Syndrome. Identifiers: Orphanet 140162, MedGen C0027672, MeSH D009386, MONDO:0015356.
Bloom syndrome (BLM). Also called: Bloom-Torre-Machacek syndrome. Identifiers: Orphanet 125, MedGen C0005859, MONDO:0008876, OMIM 210900.

Allele frequency attached by ClinVar (database versions not stated): gnomAD exomes below 0.00001.
gnomAD v4.1: 1 of 1,613,244 alleles (0.000062%); highest among the groups gnomAD compares: Non-Finnish European, 0.000085%; no homozygotes.

Submissions (3):

Labcorp Genetics (formerly Invitae), Labcorp
Classification: Uncertain significance for Bloom syndrome. Last evaluated: 2024-08-27. Review status: criteria provided, single submitter. Criteria: Invitae Variant Classification Sherloc (09022015). Collection method: clinical testing. Allele origin: germline.
Comment: This sequence change replaces asparagine, which is neutral and polar, with serine, which is neutral and polar, at codon 1112 of the BLM protein (p.Asn1112Ser). This variant is not present in population databases (gnomAD no frequency). This variant has not been reported in the literature in individuals affected with BLM-related conditions. ClinVar contains an entry for this variant (Variation ID: 1005412). Invitae Evidence Modeling of protein sequence and biophysical properties (such as structural, functional, and spatial information, amino acid conservation, physicochemical variation, residue mobility, and thermodynamic stability) indicates that this missense variant is not expected to disrupt BLM protein function with a negative predictive value of 80%. In summary, the available evidence is currently insufficient to determine the role of this variant in disease. Therefore, it has been classified as a Variant of Uncertain Significance.

Ambry Genetics
Classification: Uncertain significance for Hereditary cancer-predisposing syndrome. Last evaluated: 2023-12-18. Review status: criteria provided, single submitter. Criteria: Ambry Variant Classification Scheme 2023. Collection method: clinical testing. Allele origin: germline.
Comment: The p.N1112S variant (also known as c.3335A>G), located in coding exon 16 of the BLM gene, results from an A to G substitution at nucleotide position 3335. The asparagine at codon 1112 is replaced by serine, an amino acid with highly similar properties. This amino acid position is conserved. In addition, this alteration is predicted to be tolerated by in silico analysis. Since supporting evidence is limited at this time, the clinical significance of this alteration remains unclear.

Natera, Inc.
Classification: Uncertain significance for Bloom syndrome. Last evaluated: 2020-04-28. Review status: no assertion criteria provided. Collection method: clinical testing. Allele origin: germline. Not counted in ClinVar's aggregate classification.